The following is an entry in ClinVar:

NM_006014.5(LAGE3):c.119C>A (p.Ala40Glu)

Genes: LAGE3 (L antigen family member 3; minus strand), LOC130068876 (ATAC-STARR-seq lymphoblastoid silent region 21109; plus strand). Cytogenetic location: Xq28.
Variant type: single nucleotide variant.
Coding change: c.119C>A on transcript NM_006014.5 (MANE Select); coding-DNA position 119, C replaced by A.
Protein change: p.Ala40Glu; replaces alanine 40 with glutamic acid.
Molecular consequence: missense variant.
Genome position (GRCh38, 1-based): chrX:154,478,797, G>T on the plus strand (C>A on the coding strand, the complement: LAGE3 is on the minus strand). VCF-style: chrX-154478797-G-T. GRCh37 (hg19) VCF-style: chrX-153707136-G-T.
Other names: short protein forms A40E.
Identifiers: ClinVar variation 2211547 (VCV002211547.6), dbSNP rs782685188, ClinGen allele CA10565279.
Genomic context (GRCh38, chrX:154,478,797, plus strand): 5'-GGCCGCATTCGTGACCCCCTGGCCGCAGACGCGGCGTCTCTGCCCGGACCTGGCGCGTGC[G>T]CTGGGGGAGCTCCACCGGCCGGAGCTGCGGCTGTGTCCACGCCCCCGCGGCAGCTGTGGC-3'
Protein context (NP_006005.2, residues 30-50): AAAPAGGAPP[Ala40Glu]HAPGPGRDAA

ClinVar aggregate classification (germline): Uncertain significance. Review status: criteria provided, multiple submitters, no conflicts (2 of 4 stars). 3 submissions from 3 submitters: Uncertain significance (3). Last evaluated 2025-12-27.

Allele frequency attached by ClinVar (database versions not stated): gnomAD 0.00013; ExAC 0.00017; TOPMed 0.00011.
gnomAD v4.1: 171 of 1,134,330 alleles (0.015%); highest among the groups gnomAD compares: Non-Finnish European, 0.019%; no homozygotes.

Submissions (3):

Labcorp Genetics (formerly Invitae), Labcorp
Classification: Uncertain significance. Last evaluated: 2025-12-27. Review status: criteria provided, single submitter. Criteria: Invitae Variant Classification Sherloc (09022015). Collection method: clinical testing. Allele origin: germline.
Comment: This sequence change replaces alanine, which is neutral and non-polar, with glutamic acid, which is acidic and polar, at codon 40 of the LAGE3 protein (p.Ala40Glu). The frequency data for this variant in the population databases is considered unreliable, as metrics indicate poor data quality at this position in the gnomAD database. This variant has not been reported in the literature in individuals affected with LAGE3-related conditions. ClinVar contains an entry for this variant (Variation ID: 2211547). An algorithm developed to predict the effect of missense changes on protein structure and function (PolyPhen-2) suggests that this variant is likely to be tolerated. In summary, the available evidence is currently insufficient to determine the role of this variant in disease. Therefore, it has been classified as a Variant of Uncertain Significance.

Ambry Genetics
Classification: Uncertain significance. Last evaluated: 2024-12-17. Review status: criteria provided, single submitter. Criteria: Ambry Variant Classification Scheme 2023. Collection method: clinical testing. Allele origin: germline.

Women's Health and Genetics/Laboratory Corporation of America, LabCorp
Classification: Uncertain significance. Last evaluated: 2024-10-04. Review status: criteria provided, single submitter. Criteria: LabCorp Variant Classification Summary - May 2015. Collection method: clinical testing. Allele origin: germline.
Comment: Variant summary: LAGE3 c.119C>A (p.Ala40Glu) results in a non-conservative amino acid change in the encoded protein sequence. Four of five in-silico tools predict a benign effect of the variant on protein function. The variant allele was found at a frequency of 0.00015 in 87045 control chromosomes. This frequency is not significantly higher than estimated for a pathogenic variant in LAGE3 causing Galloway-Mowat Syndrome 2, X-Linked, allowing no conclusion about variant significance. To our knowledge, no occurrence of c.119C>A in individuals affected with Galloway-Mowat Syndrome 2, X-Linked and no experimental evidence demonstrating its impact on protein function have been reported. ClinVar contains an entry for this variant (Variation ID: 2211547). Based on the evidence outlined above, the variant was classified as uncertain significance.